The following is an entry in ClinVar:

ClinVar aggregate classification (germline): Uncertain significance (1 of 4 stars; one submission).

gnomAD v4.1: 1 of 1,612,464 alleles (0.000062%); no homozygotes.

Submission:

Labcorp Genetics (formerly Invitae), Labcorp
Classification: Uncertain significance. Last evaluated: 2025-10-07. Review status: criteria provided, single submitter. Criteria: Invitae Variant Classification Sherloc (09022015). Collection method: clinical testing. Allele origin: germline.
Comment: This sequence change replaces leucine, which is neutral and non-polar, with arginine, which is basic and polar, at codon 231 of the SUCLG2 protein (p.Leu231Arg). This variant is not present in population databases (gnomAD no frequency). This variant has not been reported in the literature in individuals affected with SUCLG2-related conditions. An algorithm developed to predict the effect of missense changes on protein structure and function (PolyPhen-2) suggests that this variant is likely to be disruptive. In summary, the available evidence is currently insufficient to determine the role of this variant in disease. Therefore, it has been classified as a Variant of Uncertain Significance.

NM_003848.4(SUCLG2):c.692T>G (p.Leu231Arg)

Gene: SUCLG2 (succinate-CoA ligase GDP-forming subunit beta; minus strand). Cytogenetic location: 3p14.1.
Variant type: single nucleotide variant.
Coding change: c.692T>G on transcript NM_003848.4 (MANE Select); coding-DNA position 692, T replaced by G.
Protein change: p.Leu231Arg; replaces leucine 231 with arginine.
Molecular consequence: missense variant.
Genome position (GRCh38, 1-based): chr3:67,508,872, A>C on the plus strand (T>G on the coding strand, the complement: SUCLG2 is on the minus strand). VCF-style: chr3-67508872-A-C. GRCh37 (hg19) VCF-style: chr3-67559296-A-C.
Other names: c.692T>G, p.Leu231Arg (NM_001177599.2); short protein forms L231R.
Identifiers: ClinVar variation 4728411 (VCV004728411.1).